The following is an entry in ClinVar:

ClinVar aggregate classification (germline): Uncertain significance. Review status: criteria provided, multiple submitters, no conflicts (2 of 4 stars). 2 submissions from 2 submitters: Uncertain significance (2). Last evaluated 2023-10-06.

Conditions:
RASopathy. Also called: rasopathies; Noonan spectrum disorder. Identifiers: Orphanet 536391, MedGen C5555857, MONDO:0021060.
Cardiovascular phenotype. Identifiers: MedGen CN230736.

Allele frequency attached by ClinVar (database versions not stated): TOPMed below 0.00001.

Submissions (2):

Labcorp Genetics (formerly Invitae), Labcorp
Classification: Uncertain significance for RASopathy. Last evaluated: 2023-10-06. Review status: criteria provided, single submitter. Criteria: Invitae Variant Classification Sherloc (09022015). Collection method: clinical testing. Allele origin: germline.
Comment: This sequence change replaces alanine, which is neutral and non-polar, with proline, which is neutral and non-polar, at codon 418 of the SOS1 protein (p.Ala418Pro). This variant is not present in population databases (gnomAD no frequency). This variant has not been reported in the literature in individuals affected with SOS1-related conditions. ClinVar contains an entry for this variant (Variation ID: 1761119). Advanced modeling of protein sequence and biophysical properties (such as structural, functional, and spatial information, amino acid conservation, physicochemical variation, residue mobility, and thermodynamic stability) has been performed at Invitae for this missense variant, however the output from this modeling did not meet the statistical confidence thresholds required to predict the impact of this variant on SOS1 protein function. In summary, the available evidence is currently insufficient to determine the role of this variant in disease. Therefore, it has been classified as a Variant of Uncertain Significance.

Ambry Genetics
Classification: Uncertain significance for Cardiovascular phenotype. Last evaluated: 2022-07-19. Review status: criteria provided, single submitter. Criteria: Ambry Variant Classification Scheme 2023. Collection method: clinical testing. Allele origin: germline.
Comment: The p.A418P variant (also known as c.1252G>C), located in coding exon 10 of the SOS1 gene, results from a G to C substitution at nucleotide position 1252. The alanine at codon 418 is replaced by proline, an amino acid with highly similar properties. This amino acid position is conserved. In addition, this alteration is predicted to be deleterious by in silico analysis. Since supporting evidence is limited at this time, the clinical significance of this alteration remains unclear.

NM_005633.4(SOS1):c.1252G>C (p.Ala418Pro)

Gene: SOS1 (SOS Ras/Rac guanine nucleotide exchange factor 1; minus strand). Cytogenetic location: 2p22.1.
Variant type: single nucleotide variant.
Coding change: c.1252G>C on transcript NM_005633.4 (MANE Select); coding-DNA position 1252, G replaced by C.
Protein change: p.Ala418Pro; replaces alanine 418 with proline.
Molecular consequence: missense variant.
Genome position (GRCh38, 1-based): chr2:39,023,176, C>G on the plus strand (G>C on the coding strand, the complement: SOS1 is on the minus strand). VCF-style: chr2-39023176-C-G. GRCh37 (hg19) VCF-style: chr2-39250317-C-G.
Other names: c.1231G>C, p.Ala411Pro (NM_001382394.1); c.1252G>C, p.Ala418Pro (NM_001382395.1); short protein forms A418P, A411P.
Identifiers: ClinVar variation 1761119 (VCV001761119.7), dbSNP rs1361403262, ClinGen allele CA346366601.